The following is an entry in ClinVar:

NM_138420.4(AHNAK2):c.2556G>C (p.Met852Ile)

Gene: AHNAK2 (AHNAK nucleoprotein 2; minus strand). Cytogenetic location: 14q32.33.
Variant type: single nucleotide variant.
Coding change: c.2556G>C on transcript NM_138420.4 (MANE Select); coding-DNA position 2556, G replaced by C.
Protein change: p.Met852Ile; replaces methionine 852 with isoleucine.
Molecular consequence: missense variant.
Genome position (GRCh38, 1-based): chr14:104,952,895, C>G on the plus strand (G>C on the coding strand, the complement: AHNAK2 is on the minus strand). VCF-style: chr14-104952895-C-G. GRCh37 (hg19) VCF-style: chr14-105419232-C-G.
Other names: c.2256G>C, p.Met752Ile (NM_001350929.2); short protein forms M752I, M852I.
Identifiers: ClinVar variation 2644879 (VCV002644879.24), dbSNP rs201364839, ClinGen allele CA7383447.
Genomic context (GRCh38, chr14:104,952,895, plus strand): 5'-CATGGAGGAGAGGCTCACGTCGGCCTCCACCTTCGGCGCAGACACATCCACCGAGTCCTC[C>G]ATGGACTTGCCTGGGGCCGACACCCCGAATGATGGCATCTTGAACTTGGGCATTTTGAAC-3'
Protein context (NP_612429.2, residues 842-862): SFGVSAPGKS[Met852Ile]EDSVDVSAPK

ClinVar aggregate classification (germline): Likely benign (1 of 4 stars; one submission).

Allele frequency attached by ClinVar (database versions not stated): 1000 Genomes Project 30x 0.00172; 1000 Genomes Project 0.00180; ESP Exome Variant Server 0.00540; gnomAD 0.00565; gnomAD exomes 0.00679.
gnomAD v4.1: 10,639 of 1,610,664 alleles (0.66%); highest among the groups gnomAD compares: Non-Finnish European, 0.8%; 64 homozygotes.

Submission:

CeGaT Center for Human Genetics Tuebingen
Classification: Likely benign. Last evaluated: 2023-04-01. Review status: criteria provided, single submitter. Criteria: CeGaT Center For Human Genetics Tuebingen Variant Classification Criteria Version 2. Collection method: clinical testing. Allele origin: germline. Affected: yes. Observed: 7 variant alleles.
Comment: AHNAK2: BP4, BS2